The following is an entry in ClinVar:

NM_025114.4(CEP290):c.3938A>T (p.Asn1313Ile)

Gene: CEP290 (centrosomal protein 290; minus strand). Cytogenetic location: 12q21.32.
Variant type: single nucleotide variant.
Coding change: c.3938A>T on transcript NM_025114.4 (MANE Select); coding-DNA position 3938, A replaced by T.
Protein change: p.Asn1313Ile; replaces asparagine 1313 with isoleucine.
Molecular consequence: missense variant.
Genome position (GRCh38, 1-based): chr12:88,089,123, T>A on the plus strand (A>T on the coding strand, the complement: CEP290 is on the minus strand). VCF-style: chr12-88089123-T-A. GRCh37 (hg19) VCF-style: chr12-88482900-T-A.
Other names: short protein forms N1313I.
Identifiers: ClinVar variation 2054202 (VCV002054202.3), dbSNP rs2500099938, ClinGen allele CA386000366.

ClinVar aggregate classification (germline): Uncertain significance (1 of 4 stars; one submission).

Conditions:
Joubert syndrome. Also called: CEREBELLOPARENCHYMAL DISORDER IV; JOUBERT-BOLTSHAUSER SYNDROME; Familial aplasia of the vermis. Identifiers: Orphanet 475, MedGen C5979921, MONDO:0018772.
Nephronophthisis. Also called: Juvenile Nephronophthisis. Identifiers: Orphanet 655, MedGen C0687120, MONDO:0019005, HP:0000090.
Meckel-Gruber syndrome. Also called: DYSENCEPHALIA SPLANCHNOCYSTICA; GRUBER SYNDROME; Dysencephalia splachnocystica. Identifiers: Orphanet 564, MedGen C0265215, MONDO:0018921.

Submission:

Labcorp Genetics (formerly Invitae), Labcorp
Classification: Uncertain significance for Joubert syndrome; Meckel-Gruber syndrome; Nephronophthisis. Last evaluated: 2022-03-19. Review status: criteria provided, single submitter. Criteria: Invitae Variant Classification Sherloc (09022015). Collection method: clinical testing. Allele origin: germline.
Comment: In summary, the available evidence is currently insufficient to determine the role of this variant in disease. Therefore, it has been classified as a Variant of Uncertain Significance. Algorithms developed to predict the effect of missense changes on protein structure and function (SIFT, PolyPhen-2, Align-GVGD) all suggest that this variant is likely to be tolerated. This variant has not been reported in the literature in individuals affected with CEP290-related conditions. This variant is not present in population databases (gnomAD no frequency). This sequence change replaces asparagine, which is neutral and polar, with isoleucine, which is neutral and non-polar, at codon 1313 of the CEP290 protein (p.Asn1313Ile).